The following is an entry in ClinVar:

ClinVar aggregate classification (germline): Uncertain significance (1 of 4 stars; one submission).

Conditions:
Intellectual developmental disorder, X-linked 1. Also called: Atkin Flaitz Patil Smith syndrome; MENTAL RETARDATION, X-LINKED 18; MENTAL RETARDATION, X-LINKED 78; Intellectual disability, X-linked 1. Identifiers: Orphanet 777, MedGen C2931498, MONDO:0010656, OMIM 309530.

Submission:

Labcorp Genetics (formerly Invitae), Labcorp
Classification: Uncertain significance for Intellectual developmental disorder, X-linked 1. Last evaluated: 2026-01-07. Review status: criteria provided, single submitter. Criteria: Invitae Variant Classification Sherloc (09022015). Collection method: clinical testing. Allele origin: germline.
Comment: This sequence change replaces proline, which is neutral and non-polar, with glutamine, which is neutral and polar, at codon 117 of the IQSEC2 protein (p.Pro117Gln). This variant is not present in population databases (gnomAD no frequency). This variant has not been reported in the literature in individuals affected with IQSEC2-related conditions. Invitae Evidence Modeling of protein sequence and biophysical properties (such as structural, functional, and spatial information, amino acid conservation, physicochemical variation, residue mobility, and thermodynamic stability) indicates that this missense variant is not expected to disrupt IQSEC2 protein function with a negative predictive value of 95%. In summary, the available evidence is currently insufficient to determine the role of this variant in disease. Therefore, it has been classified as a Variant of Uncertain Significance.

NM_001111125.3(IQSEC2):c.350C>A (p.Pro117Gln)

Gene: IQSEC2 (IQ motif and Sec7 domain ArfGEF 2; minus strand). Cytogenetic location: Xp11.22.
Variant type: single nucleotide variant.
Coding change: c.350C>A on transcript NM_001111125.3 (MANE Select); coding-DNA position 350, C replaced by A.
Protein change: p.Pro117Gln; replaces proline 117 with glutamine.
Molecular consequence: missense variant.
Genome position (GRCh38, 1-based): chrX:53,320,774, G>T on the plus strand (C>A on the coding strand, the complement: IQSEC2 is on the minus strand). VCF-style: chrX-53320774-G-T. GRCh37 (hg19) VCF-style: chrX-53349972-G-T.
Other names: c.350C>A, p.Pro117Gln (NM_001410736.1, NM_001441092.1); short protein forms P117Q.
Identifiers: ClinVar variation 4801032 (VCV004801032.1).
Genomic context (GRCh38, chrX:53,320,774, plus strand): 5'-GCGTCCCGCTCCTTGTCCCGATACACAGCCTCCCGATTCTGGTAGGCGCCTTCCCGGTTC[G>T]GGTAGCCCACGTCCCGGGCCGCCTGGTGGAACTGGCTCTCCCGCAGCTCGCGGTGGTGGA-3'
Protein context (NP_001104595.1, residues 107-127): FHQAARDVGY[Pro117Gln]NREGAYQNRE